The following is an entry in ClinVar:

NM_016151.4(TAOK2):c.233G>A (p.Arg78Gln)

Gene: TAOK2 (TAO kinase 2; plus strand). Cytogenetic location: 16p11.2.
Variant type: single nucleotide variant.
Coding change: c.233G>A on transcript NM_016151.4 (MANE Select); coding-DNA position 233, G replaced by A.
Protein change: p.Arg78Gln; replaces arginine 78 with glutamine.
Molecular consequence: missense variant.
Genome position (GRCh38, 1-based): chr16:29,978,280, G>A. VCF-style: chr16-29978280-G-A. GRCh37 (hg19) VCF-style: chr16-29989601-G-A.
Other names: c.233G>A, p.Arg78Gln (NM_001252043.2, NM_004783.4); short protein forms R78Q.
Identifiers: ClinVar variation 1382304 (VCV001382304.8), dbSNP rs761769256, ClinGen allele CA395470220.

ClinVar aggregate classification (germline): Uncertain significance (1 of 4 stars; one submission).

Allele frequency attached by ClinVar (database versions not stated): gnomAD exomes 0.00001.
gnomAD v4.1: 4 of 1,614,076 alleles (0.00025%); highest among the groups gnomAD compares: Non-Finnish European, 0.00025%; no homozygotes.

Submission:

Labcorp Genetics (formerly Invitae), Labcorp
Classification: Uncertain significance. Last evaluated: 2024-11-03. Review status: criteria provided, single submitter. Criteria: Invitae Variant Classification Sherloc (09022015). Collection method: clinical testing. Allele origin: germline.
Comment: This sequence change replaces arginine, which is basic and polar, with glutamine, which is neutral and polar, at codon 78 of the TAOK2 protein (p.Arg78Gln). This variant is not present in population databases (gnomAD no frequency). This variant has not been reported in the literature in individuals affected with TAOK2-related conditions. ClinVar contains an entry for this variant (Variation ID: 1382304). An algorithm developed to predict the effect of missense changes on protein structure and function (PolyPhen-2) suggests that this variant is likely to be tolerated. In summary, the available evidence is currently insufficient to determine the role of this variant in disease. Therefore, it has been classified as a Variant of Uncertain Significance.